The following is an entry in ClinVar:

NM_000551.4(VHL):c.74C>G (p.Pro25Arg)

Gene: VHL (von Hippel-Lindau tumor suppressor; plus strand). Cytogenetic location: 3p25.3.
Variant type: single nucleotide variant.
Coding change: c.74C>G on transcript NM_000551.4 (MANE Select); coding-DNA position 74, C replaced by G.
Protein change: p.Pro25Arg; replaces proline 25 with arginine.
Molecular consequence: missense variant. On other transcripts: non-coding transcript variant (1).
Genome position (GRCh38, 1-based): chr3:10,141,921, C>G. VCF-style: chr3-10141921-C-G. GRCh37 (hg19) VCF-style: chr3-10183605-C-G.
Other names: c.74C>G, p.Pro25Arg (NM_001354723.2, NM_198156.3); short protein forms P25R.
Identifiers: ClinVar variation 4558075 (VCV004558075.2).
Genomic context (GRCh38, chr3:10,141,921, plus strand): 5'-CGGAGAACTGGGACGAGGCCGAGGTAGGCGCGGAGGAGGCAGGCGTCGAAGAGTACGGCC[C>G]TGAAGAAGACGGCGGGGAGGAGTCGGGCGCCGAGGAGTCCGGCCCGGAAGAGTCCGGCCC-3'
Protein context (NP_000542.1, residues 15-35): AEEAGVEEYG[Pro25Arg]EEDGGEESGA

ClinVar aggregate classification (germline): Uncertain significance. Review status: criteria provided, multiple submitters, no conflicts (2 of 4 stars). 2 submissions from 2 submitters: Uncertain significance (2). Last evaluated 2025-10-29.

Conditions:
Hereditary cancer-predisposing syndrome. Also called: Tumor predisposition; Hereditary Cancer Syndrome; Neoplastic Syndromes, Hereditary; Hereditary neoplastic syndrome. Identifiers: Orphanet 140162, MedGen C0027672, MeSH D009386, MONDO:0015356.
Von Hippel-Lindau syndrome (VHLS). Also called: VHL syndrome; Von Hippel-Lindau; von Hippel–Lindau syndrome. Identifiers: Orphanet 892, MedGen C0019562, MONDO:0008667, OMIM 193300. Disease mechanism: loss of function.
Chuvash polycythemia. Also called: POLYCYTHEMIA, VHL-DEPENDENT. Identifiers: Orphanet 238557, MedGen C1837915, MONDO:0009892, OMIM 263400.

gnomAD v4.1: 1 of 1,539,538 alleles (0.000065%); highest among the groups gnomAD compares: South Asian, 0.0012%; no homozygotes.

Submissions (2):

Labcorp Genetics (formerly Invitae), Labcorp
Classification: Uncertain significance for Von Hippel-Lindau syndrome; Chuvash polycythemia. Last evaluated: 2025-10-29. Review status: criteria provided, single submitter. Criteria: Invitae Variant Classification Sherloc (09022015). Collection method: clinical testing. Allele origin: germline.
Comment: This sequence change replaces proline, which is neutral and non-polar, with arginine, which is basic and polar, at codon 25 of the VHL protein (p.Pro25Arg). This variant is not present in population databases (gnomAD no frequency). This variant has not been reported in the literature in individuals affected with VHL-related conditions. Invitae Evidence Modeling of protein sequence and biophysical properties (such as structural, functional, and spatial information, amino acid conservation, physicochemical variation, residue mobility, and thermodynamic stability) indicates that this missense variant is not expected to disrupt VHL protein function with a negative predictive value of 95%. In summary, the available evidence is currently insufficient to determine the role of this variant in disease. Therefore, it has been classified as a Variant of Uncertain Significance.

Ambry Genetics
Classification: Uncertain significance for Hereditary cancer-predisposing syndrome. Last evaluated: 2025-09-24. Review status: criteria provided, single submitter. Criteria: Ambry Variant Classification Scheme 2023. Collection method: clinical testing. Allele origin: germline.
Comment: The p.P25R variant (also known as c.74C>G), located in coding exon 1 of the VHL gene, results from a C to G substitution at nucleotide position 74. The proline at codon 25 is replaced by arginine, an amino acid with dissimilar properties. This amino acid position is highly conserved in available vertebrate species. In addition, this alteration is predicted to be tolerated by in silico analysis. Based on the available evidence, the clinical significance of this variant remains unclear.